The following is an entry in ClinVar:

ClinVar aggregate classification (germline): Uncertain significance (1 of 4 stars; one submission).

Conditions:
Hennekam lymphangiectasia-lymphedema syndrome 2 (HKLLS2). Identifiers: Orphanet 2136, MedGen C4014939, MONDO:0014454, OMIM 616006.

Submission:

Clinical Genomics Laboratory, Washington University in St. Louis
Classification: Uncertain significance for Hennekam lymphangiectasia-lymphedema syndrome 2. Last evaluated: 2024-03-19. Review status: criteria provided, single submitter. Criteria: ACMG Guidelines, 2015. Collection method: clinical testing. Allele origin: germline.
Comment: A FAT4 c.2102A>G (p.Asn701Ser) variant was identified at an allelic fraction consistent with germline origin. This variant, to our knowledge, has not been reported in the medical literature. The FAT4 c.2102A>G (p.Asn701Ser) variant is absent from the general population (gnomAD v.4.0.0), indicating it is not a common variant. Computational predictors suggest that this variant does not impact FAT4 function. Due to limited information, and based on ACMG/AMP guidelines for variant interpretation (Richards S et al., PMID: 25741868), the clinical significance of this variant is uncertain at this time.

NM_001291303.3(FAT4):c.2102A>G (p.Asn701Ser)

Gene: FAT4 (FAT atypical cadherin 4; plus strand). Cytogenetic location: 4q28.1.
Variant type: single nucleotide variant.
Coding change: c.2102A>G on transcript NM_001291303.3 (MANE Select); coding-DNA position 2102, A replaced by G.
Protein change: p.Asn701Ser; replaces asparagine 701 with serine.
Molecular consequence: missense variant.
Genome position (GRCh38, 1-based): chr4:125,318,513, A>G. VCF-style: chr4-125318513-A-G. GRCh37 (hg19) VCF-style: chr4-126239668-A-G.
Other names: c.2102A>G, p.Asn701Ser (NM_001291285.3, NM_024582.6); short protein forms N701S.
Identifiers: ClinVar variation 3237433 (VCV003237433.1), dbSNP rs2530432808.